The following is an entry in ClinVar:

ClinVar aggregate classification (germline): Uncertain significance (1 of 4 stars; one submission).

Submission:

Labcorp Genetics (formerly Invitae), Labcorp
Classification: Uncertain significance. Last evaluated: 2022-10-05. Review status: criteria provided, single submitter. Criteria: Invitae Variant Classification Sherloc (09022015). Collection method: clinical testing. Allele origin: germline.
Comment: This variant, c.5307_5309del, results in the deletion of 1 amino acid(s) of the RP1 protein (p.Thr1770del), but otherwise preserves the integrity of the reading frame. This variant is present in population databases (no rsID available, gnomAD 0.003%). This variant has not been reported in the literature in individuals affected with RP1-related conditions. Experimental studies and prediction algorithms are not available or were not evaluated, and the functional significance of this variant is currently unknown. In summary, the available evidence is currently insufficient to determine the role of this variant in disease. Therefore, it has been classified as a Variant of Uncertain Significance.

NM_006269.2(RP1):c.5304CAC[1] (p.Thr1770del)

Genes: RP1 (RP1 axonemal microtubule associated; plus strand), LOC126860392 (CDK7 strongly-dependent group 2 enhancer GRCh37_chr8:55541319-55542518; plus strand). Cytogenetic location: 8q12.1.
Variant type: Microsatellite.
Coding change: c.5304CAC[1] on transcript NM_006269.2 (MANE Select); one copy of the 3-base unit CAC starting at c.5304; the reference has two copies in a row; one copy, 3 bases deleted.
Protein change: p.Thr1770del; deletes threonine 1770.
Molecular consequence: inframe deletion. On other transcripts: intron variant (1).
Genome position (GRCh38, 1-based): chr8:54,629,189-54,629,191, CAC deleted; deleting any 3 consecutive bases within chr8:54,629,186-54,629,191 gives the same sequence; the position shown is the placement nearest the transcript's 3' end. VCF-style (leftmost placement, unchanged base first): chr8-54629185-ACAC-A. GRCh37 (hg19) VCF-style: chr8-55541745-ACAC-A.
Other names: c.787+6901_787+6903del (NM_001375654.1); short protein forms T1770del.
Identifiers: ClinVar variation 2058440 (VCV002058440.4), dbSNP rs1563333031, ClinGen allele CA582185402.